The following is an entry in ClinVar:

ClinVar aggregate classification (germline): Uncertain significance (1 of 4 stars; one submission).

Conditions:
Neurodevelopmental disorder with motor and language delay, ocular defects, and brain abnormalities (NEDMLOB). Identifiers: MedGen C5830596, MONDO:0957386, OMIM 620428.

gnomAD v4.1: 466 of 1,564,678 alleles (0.03%); highest among the groups gnomAD compares: African/African-American, 0.41%; no homozygotes.

Submission:

OLLIN Analises Genomicas, OLLIN
Classification: Uncertain significance for Neurodevelopmental disorder with motor and language delay, ocular defects, and brain abnormalities. Last evaluated: 2026-08-06. Review status: criteria provided, single submitter. Criteria: ACMG Guidelines 2015 PMID 25741868. Collection method: clinical testing. Allele origin: germline. Inheritance: Autosomal recessive inheritance.
Comment: This missense variant, located in exon 15 (of 17), has been observed in gnomAD with an allele frequency of 0.03%, but has not been reported in ClinVar or identified in the literature. In silico analysis is inconclusive regarding the impact of this variant. According to the currently available evidence, this variant has been classified as uncertain significance (BS1_S).

NM_017871.6(INTS11):c.1477G>A (p.Val493Met)

Gene: INTS11 (integrator complex subunit 11; minus strand). Cytogenetic location: 1p36.33.
Variant type: single nucleotide variant.
Coding change: c.1477G>A on transcript NM_017871.6 (MANE Select); coding-DNA position 1477, G replaced by A.
Protein change: p.Val493Met; replaces valine 493 with methionine.
Molecular consequence: missense variant.
Genome position (GRCh38, 1-based): chr1:1,312,356, C>T on the plus strand (G>A on the coding strand, the complement: INTS11 is on the minus strand). VCF-style: chr1-1312356-C-T. GRCh37 (hg19) VCF-style: chr1-1247736-C-T.
Other names: c.1495G>A, p.Val499Met (NM_001256456.2); c.1390G>A, p.Val464Met (NM_001256460.2); c.1183G>A, p.Val395Met (NM_001256462.2); c.1174G>A, p.Val392Met (NM_001256463.2); short protein forms V464M, V392M, V395M, V493M, V499M.
Identifiers: ClinVar variation 5002890 (VCV005002890.1).
Genomic context (GRCh38, chr1:1,312,356, plus strand): 5'-AGGTGAAGCGCAGCTGGTGCTCAGCCAGACCCAGCTCTTTGAGGGCTTGCTCTGAGGACA[C>T]CAGCCGGAAGTTCTGTGGGGCAGGGACAGGTCAGTGAGCGCAGCAGCGGCCCTCCCCCCT-3'
Protein context (NP_060341.2, residues 483-503): LIMKDSNFRL[Val493Met]SSEQALKELG